The following is an entry in ClinVar:

ClinVar aggregate classification (germline): Uncertain significance (1 of 4 stars; one submission).

gnomAD v4.1: 4 of 1,613,990 alleles (0.00025%); highest among the groups gnomAD compares: Non-Finnish European, 0.00034%; no homozygotes.

Submission:

Labcorp Genetics (formerly Invitae), Labcorp
Classification: Uncertain significance. Last evaluated: 2024-08-10. Review status: criteria provided, single submitter. Criteria: Invitae Variant Classification Sherloc (09022015). Collection method: clinical testing. Allele origin: germline.
Comment: This sequence change replaces lysine, which is basic and polar, with glutamine, which is neutral and polar, at codon 912 of the ITGAM protein (p.Lys912Gln). This variant is not present in population databases (gnomAD no frequency). This variant has not been reported in the literature in individuals affected with ITGAM-related conditions. An algorithm developed to predict the effect of missense changes on protein structure and function (PolyPhen-2) suggests that this variant is likely to be disruptive. In summary, the available evidence is currently insufficient to determine the role of this variant in disease. Therefore, it has been classified as a Variant of Uncertain Significance.

NM_000632.4(ITGAM):c.2734A>C (p.Lys912Gln)

Gene: ITGAM (integrin subunit alpha M; plus strand). Cytogenetic location: 16p11.2.
Variant type: single nucleotide variant.
Coding change: c.2734A>C on transcript NM_000632.4 (MANE Select); coding-DNA position 2734, A replaced by C.
Protein change: p.Lys912Gln; replaces lysine 912 with glutamine.
Molecular consequence: missense variant.
Genome position (GRCh38, 1-based): chr16:31,328,172, A>C. VCF-style: chr16-31328172-A-C. GRCh37 (hg19) VCF-style: chr16-31339493-A-C.
Other names: c.2737A>C, p.Lys913Gln (NM_001145808.2); short protein forms K912Q, K913Q.
Identifiers: ClinVar variation 3608623 (VCV003608623.2).
Genomic context (GRCh38, chr16:31,328,172, plus strand): 5'-TCAAGAGCCGGCTGGAGCTCTTTCTTTCCCTCCAGTGAGAACAACATGCCCAGAACCAAC[A>C]AAACCGAATTCCAACTGGAGCTGCCGGTGAAATATGCTGTCTACATGGTGGTCACCAGGT-3'
Protein context (NP_000623.2, residues 902-922): TSENNMPRTN[Lys912Gln]TEFQLELPVK